The following is an entry in ClinVar:

ClinVar aggregate classification (germline): Uncertain significance (1 of 4 stars; one submission).

Conditions:
Charcot-Marie-Tooth disease type 4. Also called: Charcot-Marie-Tooth, Type 4; Charcot-Marie-Tooth disease, type IV. Identifiers: Orphanet 64749, MedGen C4082197, MONDO:0018995.

Allele frequency attached by ClinVar (database versions not stated): gnomAD exomes below 0.00001.
gnomAD v4.1: 1 of 1,613,508 alleles (0.000062%); highest among the groups gnomAD compares: Non-Finnish European, 0.000085%; no homozygotes.

Submission:

Labcorp Genetics (formerly Invitae), Labcorp
Classification: Uncertain significance for Charcot-Marie-Tooth disease type 4. Last evaluated: 2021-08-31. Review status: criteria provided, single submitter. Criteria: Invitae Variant Classification Sherloc (09022015). Collection method: clinical testing. Allele origin: germline.
Comment: This sequence change replaces serine with tyrosine at codon 1035 of the SBF2 protein (p.Ser1035Tyr). The serine residue is moderately conserved and there is a large physicochemical difference between serine and tyrosine. This variant is not present in population databases (ExAC no frequency). This variant has not been reported in the literature in individuals affected with SBF2-related conditions. Algorithms developed to predict the effect of missense changes on protein structure and function are either unavailable or do not agree on the potential impact of this missense change (SIFT: "Deleterious"; PolyPhen-2: "Possibly Damaging"; Align-GVGD: "Class C0"). In summary, the available evidence is currently insufficient to determine the role of this variant in disease. Therefore, it has been classified as a Variant of Uncertain Significance.

NM_030962.4(SBF2):c.3104C>A (p.Ser1035Tyr)

Genes: SBF2 (SET binding factor 2; minus strand), LOC101928008 (uncharacterized LOC101928008; plus strand). Cytogenetic location: 11p15.4.
Variant type: single nucleotide variant.
Coding change: c.3104C>A on transcript NM_030962.4 (MANE Select); coding-DNA position 3104, C replaced by A.
Protein change: p.Ser1035Tyr; replaces serine 1035 with tyrosine.
Molecular consequence: missense variant.
Genome position (GRCh38, 1-based): chr11:9,845,571, G>T on the plus strand (C>A on the coding strand, the complement: SBF2 is on the minus strand). VCF-style: chr11-9845571-G-T. GRCh37 (hg19) VCF-style: chr11-9867118-G-T.
Other names: c.3104C>A, p.Ser1035Tyr (NM_001386339.1); c.2975C>A, p.Ser992Tyr (NM_001386342.1); short protein forms S1035Y, S992Y.
Identifiers: ClinVar variation 836990 (VCV000836990.7), dbSNP rs1856484914, ClinGen allele CA379632153.
Genomic context (GRCh38, chr11:9,845,571, plus strand): 5'-TTTTGCAATCAATTACGGGAGGGCTGAAATTAACAGACTTGTCTTTCTTCTTACCGAAAA[G>T]AAGTGTTCTTTTCCTTCTGTTTTGGTAAAATTATTTGTGGGGTAGTTTGTCCAGCAGCAA-3'
Protein context (NP_112224.1, residues 1025-1045): ILPKQKEKNT[Ser1035Tyr]FRTFSKTIVK